The following is an entry in ClinVar:

NM_001376.5(DYNC1H1):c.12684+16G>C

Gene: DYNC1H1 (dynein cytoplasmic 1 heavy chain 1; plus strand). Cytogenetic location: 14q32.31.
Variant type: single nucleotide variant.
Coding change: c.12684+16G>C on transcript NM_001376.5 (MANE Select); 16 bases into the intron after coding-DNA position 12684, G replaced by C.
Molecular consequence: intron variant.
Genome position (GRCh38, 1-based): chr14:102,044,061, G>C. VCF-style: chr14-102044061-G-C. GRCh37 (hg19) VCF-style: chr14-102510398-G-C.
Identifiers: ClinVar variation 1584495 (VCV001584495.9), dbSNP rs763549678, ClinGen allele CA7353993.

ClinVar aggregate classification (germline): Likely benign. Review status: criteria provided, multiple submitters, no conflicts (2 of 4 stars). 2 submissions from 2 submitters: Likely benign (2). Last evaluated 2026-02-03.

Conditions:
Charcot-Marie-Tooth disease axonal type 2O. Also called: CHARCOT-MARIE-TOOTH NEUROPATHY, AXONAL, TYPE 2O; CHARCOT-MARIE-TOOTH DISEASE, AXONAL, AUTOSOMAL DOMINANT, TYPE 2O; Charcot-Marie-Tooth Neuropathy Type 2O; Charcot-Marie-Tooth disease, axonal, type 20. Identifiers: Orphanet 284232, MedGen C3280220, MONDO:0013644, OMIM 614228.

Allele frequency attached by ClinVar (database versions not stated): ExAC 0.00001; gnomAD 0.00001; gnomAD exomes 0.00001 and 0.00006; TOPMed 0.00003.
gnomAD v4.1: 96 of 1,612,972 alleles (0.006%); highest among the groups gnomAD compares: Non-Finnish European, 0.0077%; no homozygotes.

Submissions (2):

Labcorp Genetics (formerly Invitae), Labcorp
Classification: Likely benign for Charcot-Marie-Tooth disease axonal type 2O. Last evaluated: 2026-02-03. Review status: criteria provided, single submitter. Criteria: Invitae Variant Classification Sherloc (09022015). Collection method: clinical testing. Allele origin: germline.

Women's Health and Genetics/Laboratory Corporation of America, LabCorp
Classification: Likely benign. Last evaluated: 2023-10-05. Review status: criteria provided, single submitter. Criteria: LabCorp Variant Classification Summary - May 2015. Collection method: clinical testing. Allele origin: germline.
Comment: Variant summary: DYNC1H1 c.12684+16G>C alters a non-conserved nucleotide located at a position not widely known to affect splicing. Consensus agreement among computation tools predict no significant impact on normal splicing. However, these predictions have yet to be confirmed by functional studies. The variant allele was found at a frequency of 8e-06 in 250180 control chromosomes. The available data on variant occurrences in the general population are insufficient to allow any conclusion about variant significance. To our knowledge, no occurrence of c.12684+16G>C in individuals affected with DYNC1H1-Related Disorders and no experimental evidence demonstrating its impact on protein function have been reported. One submitter has cited clinical-significance assessments for this variant to ClinVar after 2014 and has classified the variant as likely benign. Based on the evidence outlined above, the variant was classified as likely benign.